The following is an entry in ClinVar:

ClinVar aggregate classification (germline): Uncertain significance (1 of 4 stars; one submission).

Conditions:
Inborn genetic diseases. Identifiers: MedGen C0950123, MeSH D030342.

Submission:

Ambry Genetics
Classification: Uncertain significance for Inborn genetic diseases. Last evaluated: 2025-08-04. Review status: criteria provided, single submitter. Criteria: Ambry Variant Classification Scheme 2023. Collection method: clinical testing. Allele origin: germline.
Comment: The p.R1382S variant (also known as c.4146G>C), located in coding exon 41 of the FANCA gene, results from a G to C substitution at nucleotide position 4146. The arginine at codon 1382 is replaced by serine, an amino acid with dissimilar properties. This amino acid position is conserved. In addition, this alteration is predicted to be tolerated by in silico analysis. Based on the available evidence, the clinical significance of this variant remains unclear.

NM_000135.4(FANCA):c.4146G>C (p.Arg1382Ser)

Genes: FANCA (FA complementation group A; minus strand), ZNF276 (zinc finger protein 276; plus strand). Cytogenetic location: 16q24.3.
Variant type: single nucleotide variant.
Coding change: c.4146G>C on transcript NM_000135.4 (MANE Select); coding-DNA position 4146, G replaced by C.
Protein change: p.Arg1382Ser; replaces arginine 1382 with serine.
Molecular consequence: missense variant. On other transcripts: 3 prime UTR variant (2), non-coding transcript variant (4).
Genome position (GRCh38, 1-based): chr16:89,739,154, C>G on the plus strand (G>C on the coding strand, the complement: FANCA is on the minus strand). VCF-style: chr16-89739154-C-G. GRCh37 (hg19) VCF-style: chr16-89805562-C-G.
Other names: c.4146G>C, p.Arg1382Ser (NM_001286167.3); c.*908C>G (NM_001113525.2, NM_152287.4); short protein forms R1382S.
Identifiers: ClinVar variation 4254259 (VCV004254259.1).